The following is an entry in ClinVar:

NM_144670.6(A2ML1):c.3550A>T (p.Ser1184Cys)

Gene: A2ML1 (alpha-2-macroglobulin like 1; plus strand). Cytogenetic location: 12p13.31.
Variant type: single nucleotide variant.
Coding change: c.3550A>T on transcript NM_144670.6 (MANE Select); coding-DNA position 3550, A replaced by T.
Protein change: p.Ser1184Cys; replaces serine 1184 with cysteine.
Molecular consequence: missense variant.
Genome position (GRCh38, 1-based): chr12:8,863,841, A>T. VCF-style: chr12-8863841-A-T. GRCh37 (hg19) VCF-style: chr12-9016437-A-T.
Other names: c.2077A>T, p.Ser693Cys (NM_001282424.3); short protein forms S1184C, S693C.
Identifiers: ClinVar variation 413823 (VCV000413823.15), dbSNP rs143603619, ClinGen allele CA6436421.
Genomic context (GRCh38, chr12:8,863,841, plus strand): 5'-TCTTTTTCCATAGGAGAATCCATTTACTGGAGCCAGAAACCTACTCCATCATCGAACGCC[A>T]GCCCTTGGTCTGAGCCTGCGGCTGTAGATGTGGAACTCACAGCATATGCATTGTTGGCCC-3'
Protein context (NP_653271.3, residues 1174-1194): SQKPTPSSNA[Ser1184Cys]PWSEPAAVDV

ClinVar aggregate classification (germline): Benign/Likely benign. Review status: criteria provided, multiple submitters, no conflicts (2 of 4 stars). 5 submissions from 5 submitters: Benign (4); Likely benign (1). Last evaluated 2026-02-02.

Allele frequency attached by ClinVar (database versions not stated): gnomAD exomes 0.00103; ExAC 0.00114; 1000 Genomes Project 0.00280; ESP Exome Variant Server 0.00313; 1000 Genomes Project 30x 0.00328; gnomAD 0.00389 and 0.00419; TOPMed 0.00453.
gnomAD v4.1: 1,227 of 1,614,240 alleles (0.076%); highest among the groups gnomAD compares: African/African-American, 1.4%; 9 homozygotes.

Submissions (5):

Labcorp Genetics (formerly Invitae), Labcorp
Classification: Benign. Last evaluated: 2026-02-02. Review status: criteria provided, single submitter. Criteria: Invitae Variant Classification Sherloc (09022015). Collection method: clinical testing. Allele origin: germline.

Blueprint Genetics
Classification: Likely benign. Last evaluated: 2024-10-09. Review status: criteria provided, single submitter. Criteria: ACMG Guidelines, 2015. Collection method: clinical testing. Allele origin: germline.

Women's Health and Genetics/Laboratory Corporation of America, LabCorp
Classification: Benign. Last evaluated: 2019-10-22. Review status: criteria provided, single submitter. Criteria: LabCorp Variant Classification Summary - May 2015. Collection method: clinical testing. Allele origin: germline.
Comment: Variant summary: A2ML1 c.3550A>T (p.Ser1184Cys) results in a non-conservative amino acid change located in the Alpha-macroglobulin-like, TED domain (IPR011626) of the encoded protein sequence. Three of five in-silico tools predict a benign effect of the variant on protein function. The variant allele was found at a frequency of 0.0013 in 280918 control chromosomes, predominantly at a frequency of 0.014 within the African or African-American subpopulation in the gnomAD database, including 3 homozygotes. The observed variant frequency within African or African-American control individuals in the gnomAD database is approximately 3500 fold of the estimated maximal expected allele frequency for a pathogenic variant in A2ML1 causing Noonan Syndrome and Related Conditions phenotype (4e-06), strongly suggesting that the variant is a benign polymorphism found primarily in populations of African or African-American origin. To our knowledge, no occurrence of c.3550A>T in individuals affected with Noonan Syndrome and Related Conditions and no experimental evidence demonstrating its impact on protein function have been reported. Two ClinVar submissions (evaluation after 2014) cite the variant as likely benign. Based on the evidence outlined above, the variant was classified as benign.

GeneDx
Classification: Benign. Last evaluated: 2018-02-15. Review status: criteria provided, single submitter. Criteria: GeneDx Variant Classification (06012015). Collection method: clinical testing. Allele origin: germline. Affected: yes.
Comment: This variant is considered likely benign or benign based on one or more of the following criteria: it is a conservative change, it occurs at a poorly conserved position in the protein, it is predicted to be benign by multiple in silico algorithms, and/or has population frequency not consistent with disease.

Breakthrough Genomics
Classification: Benign. Review status: criteria provided, single submitter. Criteria: ACMG Guidelines, 2015. Collection method: not provided. Allele origin: germline. Inheritance: Autosomal dominant inheritance. Affected: yes.